The following is an entry in ClinVar:

NM_020638.3(FGF23):c.527G>A (p.Arg176Gln)

Gene: FGF23 (fibroblast growth factor 23; minus strand). Cytogenetic location: 12p13.32.
Variant type: single nucleotide variant.
Coding change: c.527G>A on transcript NM_020638.3 (MANE Select); coding-DNA position 527, G replaced by A.
Protein change: p.Arg176Gln; replaces arginine 176 with glutamine.
Molecular consequence: missense variant.
Genome position (GRCh38, 1-based): chr12:4,370,572, C>T on the plus strand (G>A on the coding strand, the complement: FGF23 is on the minus strand). VCF-style: chr12-4370572-C-T. GRCh37 (hg19) VCF-style: chr12-4479738-C-T.
Other names: short protein forms R176Q.
Identifiers: ClinVar variation 5025 (VCV000005025.2), dbSNP rs104894347, ClinGen allele CA117217.

ClinVar aggregate classification (germline): Pathogenic. Review status: criteria provided, single submitter (1 of 4 stars). 2 submissions from 2 submitters: Pathogenic (1). 1 of the submissions does not count toward it. Last evaluated 2015-06-25.

Conditions:
Autosomal dominant hypophosphatemic rickets (ADHR). Also called: HYPOPHOSPHATEMIA, AUTOSOMAL DOMINANT; VITAMIN D-RESISTANT RICKETS, AUTOSOMAL DOMINANT. Identifiers: Orphanet 89937, MedGen C0342642, MONDO:0008660, OMIM 193100.

Allele frequency attached by ClinVar (database versions not stated): gnomAD 0.00001.

Submissions (2):

GeneDx
Classification: Pathogenic. Last evaluated: 2015-06-25. Review status: criteria provided, single submitter. Criteria: GeneDx Variant Classification (06012015). Collection method: clinical testing. Allele origin: germline. Affected: yes.
Comment: The R176Q missense variant in the FGF23 gene has been reported previously in association with autosomal dominant hypophosphatemic rickets (ADHR) (Seton et al., 2013, The ADHR Consortium, 2000). The R176Q variant was not observed in approximately 6,500 individuals of European and African American ancestry in the NHLBI Exome Sequencing Project, indicating it is not a common benign variant in these populations. Missense variants at the same residue (R176W) and in nearby residues (R179Q, R179W) have been reported in the Human Gene Mutation Database in association with ADHR (Stenson et al., 2014).

OMIM
Classification: Pathogenic for HYPOPHOSPHATEMIC RICKETS, AUTOSOMAL DOMINANT. Last evaluated: 2000-11-01. Review status: no assertion criteria provided. Collection method: literature only. Allele origin: germline. Not counted in ClinVar's aggregate classification.

Literature cited by the submitters: PubMed 11062477 (cited by OMIM); PubMed 5173181 (cited by OMIM); PubMed 9024275 (cited by OMIM).